The following is an entry in ClinVar:

NM_001127222.2(CACNA1A):c.3497C>A (p.Thr1166Asn)

Gene: CACNA1A (calcium voltage-gated channel subunit alpha1 A; minus strand). Cytogenetic location: 19p13.13.
Variant type: single nucleotide variant.
Coding change: c.3497C>A on transcript NM_001127222.2 (MANE Select); coding-DNA position 3497, C replaced by A.
Protein change: p.Thr1166Asn; replaces threonine 1166 with asparagine.
Molecular consequence: missense variant.
Genome position (GRCh38, 1-based): chr19:13,286,559, G>T on the plus strand (C>A on the coding strand, the complement: CACNA1A is on the minus strand). VCF-style: chr19-13286559-G-T. GRCh37 (hg19) VCF-style: chr19-13397373-G-T.
Other names: c.3509C>A, p.Thr1170Asn (NM_000068.4, NM_023035.3); c.3500C>A, p.Thr1167Asn (NM_001127221.2, NM_001174080.2); short protein forms T1166N, T1167N, T1170N.
Identifiers: ClinVar variation 3369342 (VCV003369342.1).

ClinVar aggregate classification (germline): Uncertain significance (1 of 4 stars; one submission).

Submission:

GeneDx
Classification: Uncertain significance. Last evaluated: 2024-02-15. Review status: criteria provided, single submitter. Criteria: GeneDx Variant Classification Process June 2021. Collection method: clinical testing. Allele origin: germline. Affected: yes.
Comment: Not observed at significant frequency in large population cohorts (gnomAD); In silico analysis supports that this missense variant has a deleterious effect on protein structure/function; Has not been previously published as pathogenic or benign to our knowledge